The following is an entry in ClinVar:

NM_000565.4(IL6R):c.239G>T (p.Arg80Met)

Gene: IL6R (interleukin 6 receptor; plus strand). Cytogenetic location: 1q21.3.
Variant type: single nucleotide variant.
Coding change: c.239G>T on transcript NM_000565.4 (MANE Select); coding-DNA position 239, G replaced by T.
Protein change: p.Arg80Met; replaces arginine 80 with methionine.
Molecular consequence: missense variant. On other transcripts: intron variant (1).
Genome position (GRCh38, 1-based): chr1:154,429,349, G>T. VCF-style: chr1-154429349-G-T. GRCh37 (hg19) VCF-style: chr1-154401825-G-T.
Other names: c.239G>T, p.Arg80Met (NM_001206866.2, NM_001382769.1, NM_001382770.1 and 4 more transcripts); c.126+113G>T (NM_001382774.1); c.239G>T (NM_000565.3); short protein forms R80M.
Identifiers: ClinVar variation 1357006 (VCV001357006.8), dbSNP rs147678204, ClinGen allele CA1128945.

ClinVar aggregate classification (germline): Uncertain significance. Review status: criteria provided, multiple submitters, no conflicts (2 of 4 stars). 4 submissions from 4 submitters: Uncertain significance (4). Last evaluated 2026-01-23.

Allele frequency attached by ClinVar (database versions not stated): gnomAD exomes 0.00002 and 0.00004; ExAC 0.00003; TOPMed 0.00013; gnomAD 0.00015; ESP Exome Variant Server 0.00031.
gnomAD v4.1: 53 of 1,614,024 alleles (0.0033%); highest among the groups gnomAD compares: African/African-American, 0.057%; no homozygotes.

Submissions (4):

Women's Health and Genetics/Laboratory Corporation of America, LabCorp
Classification: Uncertain significance. Last evaluated: 2026-01-23. Review status: criteria provided, single submitter. Criteria: LabCorp Variant Classification Summary - May 2015. Collection method: clinical testing. Allele origin: germline.

Ambry Genetics
Classification: Uncertain significance. Last evaluated: 2024-08-14. Review status: criteria provided, single submitter. Criteria: Ambry Variant Classification Scheme 2023. Collection method: clinical testing. Allele origin: germline.

Labcorp Genetics (formerly Invitae), Labcorp
Classification: Uncertain significance. Last evaluated: 2022-10-24. Review status: criteria provided, single submitter. Criteria: Invitae Variant Classification Sherloc (09022015). Collection method: clinical testing. Allele origin: germline.
Comment: This sequence change replaces arginine, which is basic and polar, with methionine, which is neutral and non-polar, at codon 80 of the IL6R protein (p.Arg80Met). This variant is present in population databases (rs147678204, gnomAD 0.05%). This variant has not been reported in the literature in individuals affected with IL6R-related conditions. ClinVar contains an entry for this variant (Variation ID: 1357006). Algorithms developed to predict the effect of missense changes on protein structure and function are either unavailable or do not agree on the potential impact of this missense change (SIFT: "Deleterious"; PolyPhen-2: "Possibly Damaging"; Align-GVGD: "Class C0"). In summary, the available evidence is currently insufficient to determine the role of this variant in disease. Therefore, it has been classified as a Variant of Uncertain Significance.

Breakthrough Genomics
Classification: Uncertain significance. Review status: criteria provided, single submitter. Criteria: ACMG Guidelines, 2015. Collection method: not provided. Allele origin: germline. Inheritance: Autosomal recessive inheritance. Affected: yes.